The following is an entry in ClinVar:

NC_000022.11:g.(?_19755950)_(19759697_?)del

Gene: TBX1 (T-box transcription factor 1; plus strand). Cytogenetic location: 22q11.21.
Variant type: Deletion.
Identifiers: ClinVar variation 640457 (VCV000640457.1).

ClinVar aggregate classification (germline): Pathogenic (1 of 4 stars; one submission).

Conditions:
DiGeorge syndrome. Also called: THIRD AND FOURTH PHARYNGEAL POUCH SYNDROME; Catch22. Identifiers: Orphanet 567, MedGen C0012236, MONDO:0008564, OMIM 188400.

Submission:

Labcorp Genetics (formerly Invitae), Labcorp
Classification: Pathogenic for DiGeorge sequence. Last evaluated: 2018-08-07. Review status: criteria provided, single submitter. Criteria: Invitae Variant Classification Sherloc (09022015). Collection method: clinical testing. Allele origin: germline.
Comment: A gross deletion of the genomic region encompassing the full coding sequence of the TBX1 gene has been identified. The boundaries of this event are unknown as the deletion extends beyond the assayed region for this gene and therefore may encompass additional genes. Loss-of-function variants in TBX1 are known to be pathogenic. Contiguous gene deletions that include TBX1 have been observed in individuals with congenital heart disease, DiGeorge syndrome, and pulmonary atresia (PMID: 25205790, 25516202, 24826987). For these reasons, this variant has been classified as Pathogenic.

Literature cited by the submitters: PubMed 25205790; PubMed 25516202; PubMed 24826987.